The following is an entry in ClinVar:

ClinVar aggregate classification (germline): Uncertain significance (1 of 4 stars; one submission).

Allele frequency attached by ClinVar (database versions not stated): TOPMed below 0.00001; gnomAD exomes 0.00001 and 0.00002; ExAC 0.00002.
gnomAD v4.1: 20 of 1,599,266 alleles (0.0013%); highest among the groups gnomAD compares: Admixed American, 0.0067%; no homozygotes.

Submission:

Labcorp Genetics (formerly Invitae), Labcorp
Classification: Uncertain significance. Last evaluated: 2022-02-04. Review status: criteria provided, single submitter. Criteria: Invitae Variant Classification Sherloc (09022015). Collection method: clinical testing. Allele origin: germline.
Comment: This sequence change replaces arginine, which is basic and polar, with histidine, which is basic and polar, at codon 360 of the IDH3A protein (p.Arg360His). This variant is present in population databases (rs769406487, gnomAD 0.006%). This variant has not been reported in the literature in individuals affected with IDH3A-related conditions. ClinVar contains an entry for this variant (Variation ID: 1041031). Algorithms developed to predict the effect of missense changes on protein structure and function (SIFT, PolyPhen-2, Align-GVGD) all suggest that this variant is likely to be tolerated. In summary, the available evidence is currently insufficient to determine the role of this variant in disease. Therefore, it has been classified as a Variant of Uncertain Significance.

NM_005530.3(IDH3A):c.1079G>A (p.Arg360His)

Genes: ACSBG1 (acyl-CoA synthetase bubblegum family member 1; minus strand), IDH3A (isocitrate dehydrogenase (NAD(+)) 3 catalytic subunit alpha; plus strand). Cytogenetic location: 15q25.1.
Variant type: single nucleotide variant.
Coding change: c.1079G>A on transcript NM_005530.3 (MANE Select); coding-DNA position 1079, G replaced by A.
Protein change: p.Arg360His; replaces arginine 360 with histidine.
Molecular consequence: missense variant. On other transcripts: 3 prime UTR variant (2).
Genome position (GRCh38, 1-based): chr15:78,168,983, G>A. VCF-style: chr15-78168983-G-A. GRCh37 (hg19) VCF-style: chr15-78461325-G-A.
Other names: c.*2461C>T (NM_001199377.2, NM_015162.5); short protein forms R360H.
Identifiers: ClinVar variation 1041031 (VCV001041031.4), dbSNP rs769406487, ClinGen allele CA7680759.